The following is an entry in ClinVar:

ClinVar aggregate classification (germline): Uncertain significance. Review status: criteria provided, multiple submitters, no conflicts (2 of 4 stars). 3 submissions from 3 submitters: Uncertain significance (3). Last evaluated 2025-10-11.

Conditions:
ALDH18A1-related disorder. Also called: ALDH18A1-related disorders.
Autosomal dominant spastic paraplegia type 9. Identifiers: MedGen C1832669, MONDO:0015091.
de Barsy syndrome. Also called: Cutis laxa-corneal clouding-oligophrenia syndrome. Identifiers: Orphanet 2962, MedGen C0268354, MONDO:0017569.
Cutis laxa, autosomal dominant 3 (ADCL3). Identifiers: Orphanet 90348, MedGen C4225268, MONDO:0014706, OMIM 616603.

Allele frequency attached by ClinVar (database versions not stated): ExAC 0.00001; gnomAD exomes 0.00002; gnomAD 0.00005; TOPMed 0.00012; 1000 Genomes Project 30x 0.00016; 1000 Genomes Project 0.00020.
gnomAD v4.1: 37 of 1,614,034 alleles (0.0023%); highest among the groups gnomAD compares: South Asian, 0.013%; no homozygotes.

Submissions (3):

PreventionGenetics, part of Exact Sciences
Classification: Uncertain significance for ALDH18A1-related condition. Last evaluated: 2025-10-11. Review status: criteria provided, single submitter. Criteria: ACMG Guidelines, 2015. Collection method: clinical testing. Allele origin: germline.
Comment: The ALDH18A1 c.1640G>A variant is predicted to result in the amino acid substitution p.Arg547His. To our knowledge, this variant has not been reported in the literature. This variant is reported in 0.0098% of alleles in individuals of South Asian descent in gnomAD. At this time, the clinical significance of this variant is uncertain due to the absence of conclusive functional and genetic evidence.

Labcorp Genetics (formerly Invitae), Labcorp
Classification: Uncertain significance for Autosomal dominant spastic paraplegia type 9; de Barsy syndrome; Cutis laxa, autosomal dominant 3. Last evaluated: 2025-05-29. Review status: criteria provided, single submitter. Criteria: Invitae Variant Classification Sherloc (09022015). Collection method: clinical testing. Allele origin: germline.
Comment: This sequence change replaces arginine, which is basic and polar, with histidine, which is basic and polar, at codon 547 of the ALDH18A1 protein (p.Arg547His). This variant is present in population databases (rs199668897, gnomAD 0.01%). This variant has not been reported in the literature in individuals affected with ALDH18A1-related conditions. ClinVar contains an entry for this variant (Variation ID: 1723855). Invitae Evidence Modeling of protein sequence and biophysical properties (such as structural, functional, and spatial information, amino acid conservation, physicochemical variation, residue mobility, and thermodynamic stability) indicates that this missense variant is not expected to disrupt ALDH18A1 protein function with a negative predictive value of 95%. In summary, the available evidence is currently insufficient to determine the role of this variant in disease. Therefore, it has been classified as a Variant of Uncertain Significance.

GeneDx
Classification: Uncertain significance. Last evaluated: 2024-11-13. Review status: criteria provided, single submitter. Criteria: GeneDx Variant Classification Process June 2021. Collection method: clinical testing. Allele origin: germline. Affected: yes.
Comment: Has not been previously published as pathogenic or benign to our knowledge; Not observed at significant frequency in large population cohorts (gnomAD); In silico analysis indicates that this missense variant does not alter protein structure/function

NM_002860.4(ALDH18A1):c.1640G>A (p.Arg547His)

Gene: ALDH18A1 (aldehyde dehydrogenase 18 family member A1; minus strand). Cytogenetic location: 10q24.1.
Variant type: single nucleotide variant.
Coding change: c.1640G>A on transcript NM_002860.4 (MANE Select); coding-DNA position 1640, G replaced by A.
Protein change: p.Arg547His; replaces arginine 547 with histidine.
Molecular consequence: missense variant.
Genome position (GRCh38, 1-based): chr10:95,614,127, C>T on the plus strand (G>A on the coding strand, the complement: ALDH18A1 is on the minus strand). VCF-style: chr10-95614127-C-T. GRCh37 (hg19) VCF-style: chr10-97373884-C-T.
Other names: c.1634G>A, p.Arg545His (NM_001017423.2, NM_001323415.2); c.1307G>A, p.Arg436His (NM_001323412.2, NM_001323416.2); c.1640G>A, p.Arg547His (NM_001323413.2, NM_001323414.2); c.1535G>A, p.Arg512His (NM_001323417.2); c.1301G>A, p.Arg434His (NM_001323418.2); c.1004G>A, p.Arg335His (NM_001323419.2); short protein forms R335H, R434H, R436H, R512H, R545H, R547H.
Identifiers: ClinVar variation 1723855 (VCV001723855.10), dbSNP rs199668897, ClinGen allele CA5620252.
Genomic context (GRCh38, chr10:95,614,127, plus strand): 5'-ATGTCTCTGACCAGCTGGGAAGAGCCACGTGGAATGATCAGATCTATCATTTTGTCTAGG[C>T]GGCAAAGATCTTCAACTTCTTCTCTGGTATTCACCTTTAGAAGGAAAGAAGAAAAAGATA-3'
Protein context (NP_002851.2, residues 537-557): NTREEVEDLC[Arg547His]LDKMIDLIIP